The following is an entry in ClinVar:

NM_001098.3(ACO2):c.1613A>T (p.Asp538Val)

Genes: ACO2 (aconitase 2; plus strand), LOC130067544 (ATAC-STARR-seq lymphoblastoid active region 19118; plus strand). Cytogenetic location: 22q13.2.
Variant type: single nucleotide variant.
Coding change: c.1613A>T on transcript NM_001098.3 (MANE Select); coding-DNA position 1613, A replaced by T.
Protein change: p.Asp538Val; replaces aspartic acid 538 with valine.
Molecular consequence: missense variant.
Genome position (GRCh38, 1-based): chr22:41,525,200, A>T. VCF-style: chr22-41525200-A-T. GRCh37 (hg19) VCF-style: chr22-41921204-A-T.
Other names: short protein forms D538V.
Identifiers: ClinVar variation 2228705 (VCV002228705.5), dbSNP rs1012815978, ClinGen allele CA324580730.

ClinVar aggregate classification (germline): Uncertain significance. Review status: criteria provided, multiple submitters, no conflicts (2 of 4 stars). 2 submissions from 2 submitters: Uncertain significance (2). Last evaluated 2025-07-24.

Conditions:
Inborn genetic diseases. Identifiers: MedGen C0950123, MeSH D030342.

Allele frequency attached by ClinVar (database versions not stated): TOPMed 0.00002; gnomAD 0.00002.
gnomAD v4.1: 5 of 1,613,780 alleles (0.00031%); highest among the groups gnomAD compares: African/African-American, 0.0067%; no homozygotes.

Submissions (2):

Labcorp Genetics (formerly Invitae), Labcorp
Classification: Uncertain significance. Last evaluated: 2025-07-24. Review status: criteria provided, single submitter. Criteria: Invitae Variant Classification Sherloc (09022015). Collection method: clinical testing. Allele origin: germline.
Comment: This sequence change replaces aspartic acid, which is acidic and polar, with valine, which is neutral and non-polar, at codon 538 of the ACO2 protein (p.Asp538Val). This variant is present in population databases (no rsID available, gnomAD 0.007%). This variant has not been reported in the literature in individuals affected with ACO2-related conditions. ClinVar contains an entry for this variant (Variation ID: 2228705). Invitae Evidence Modeling of protein sequence and biophysical properties (such as structural, functional, and spatial information, amino acid conservation, physicochemical variation, residue mobility, and thermodynamic stability) indicates that this missense variant is not expected to disrupt ACO2 protein function with a negative predictive value of 80%. In summary, the available evidence is currently insufficient to determine the role of this variant in disease. Therefore, it has been classified as a Variant of Uncertain Significance.

Ambry Genetics
Classification: Uncertain significance for Inborn genetic diseases. Last evaluated: 2021-01-06. Review status: criteria provided, single submitter. Criteria: Ambry Variant Classification Scheme 2023. Collection method: clinical testing. Allele origin: germline.
Comment: The c.1613A>T (p.D538V) alteration is located in exon 14 (coding exon 14) of the ACO2 gene. This alteration results from a A to T substitution at nucleotide position 1613, causing the aspartic acid (D) at amino acid position 538 to be replaced by a valine (V). The in silico prediction for the p.D538V alteration is inconclusive. Based on insufficient or conflicting evidence, the clinical significance of this alteration remains unclear.